The following is an entry in ClinVar:

ClinVar aggregate classification (germline): Benign. Review status: criteria provided, multiple submitters, no conflicts (2 of 4 stars). 5 submissions from 5 submitters: Benign (2). 3 of the submissions do not count toward it. Last evaluated 2018-03-13.

Conditions:
ABCB1-related disorder. Also called: ABCB1-related condition.
MDR1 POLYMORPHISM.
Tramadol response. Also called: Ultram response. Identifiers: MedGen CN078023.

Allele frequency attached by ClinVar (database versions not stated): gnomAD exomes 0.47350 and 0.50430; ExAC 0.50344; gnomAD 0.57182 and 0.57896; ESP Exome Variant Server 0.57666; TOPMed 0.59911; 1000 Genomes Project 0.60483; 1000 Genomes Project 30x 0.61587.
gnomAD v4.1: 781,358 of 1,613,756 alleles (48%); highest among the groups gnomAD compares: African/African-American, 81%; 196,010 homozygotes.

Submissions (5):

GeneDx
Classification: Benign. Last evaluated: 2018-03-13. Review status: criteria provided, single submitter. Criteria: GeneDx Variant Classification (06012015). Collection method: clinical testing. Allele origin: germline. Affected: yes.
Comment: This variant is considered likely benign or benign based on one or more of the following criteria: it is a conservative change, it occurs at a poorly conserved position in the protein, it is predicted to be benign by multiple in silico algorithms, and/or has population frequency not consistent with disease.

Breakthrough Genomics
Classification: Benign. Review status: criteria provided, single submitter. Criteria: ACMG Guidelines, 2015. Collection method: not provided. Allele origin: germline. Inheritance: Unknown mechanism. Affected: yes.

PreventionGenetics, part of Exact Sciences
Classification: Likely benign for ABCB1-related condition. Last evaluated: 2021-07-21. Review status: no assertion criteria provided. Collection method: clinical testing. Allele origin: germline. Not counted in ClinVar's aggregate classification.
Comment: This variant is classified as likely benign based on ACMG/AMP sequence variant interpretation guidelines (Richards et al. 2015 PMID: 25741868, with internal and published modifications).

Bruce Budowle Laboratory, University of North Texas Health Science Center
Classification: drug response for Tramadol response. Last evaluated: 2018-04-28. Review status: no assertion criteria provided. Collection method: research. Allele origin: somatic. Affected: yes. Observed: 190 variant alleles. Not counted in ClinVar's aggregate classification.

OMIM
Classification: Benign for MDR1 POLYMORPHISM. Last evaluated: 2007-01-26. Review status: no assertion criteria provided. Collection method: literature only. Allele origin: germline. Not counted in ClinVar's aggregate classification.

Literature cited by the submitters: PubMed 10716719 (cited by OMIM); PubMed 11502320 (cited by OMIM); PubMed 12686700 (cited by OMIM); PubMed 15452306 (cited by OMIM); PubMed 15452305 (cited by OMIM); PubMed 15805193 (cited by OMIM); PubMed 17185560 (cited by OMIM).

NM_001348946.2(ABCB1):c.3435T>C (p.Ile1145=)

Gene: ABCB1 (ATP binding cassette subfamily B member 1; minus strand). Cytogenetic location: 7q21.12.
Variant type: single nucleotide variant.
Coding change: c.3435T>C on transcript NM_001348946.2 (MANE Select); coding-DNA position 3435, T replaced by C.
Protein change: p.Ile1145=; no amino-acid change (isoleucine 1145 retained).
Molecular consequence: synonymous variant.
Genome position (GRCh38, 1-based): chr7:87,509,329, A>G on the plus strand (T>C on the coding strand, the complement: ABCB1 is on the minus strand). VCF-style: chr7-87509329-A-G. GRCh37 (hg19) VCF-style: chr7-87138645-A-G.
Other names: 3435C-T; c.3435T>C, p.Ile1145= (NM_000927.5, NM_001348944.2); c.3645T>C, p.Ile1215= (NM_001348945.2).
Identifiers: ClinVar variation 225939 (VCV000225939.77), dbSNP rs1045642, ClinGen allele CA4327768.